The following is an entry in ClinVar:

NM_000540.3(RYR1):c.11243T>C (p.Val3748Ala)

Gene: RYR1 (ryanodine receptor 1; plus strand). Cytogenetic location: 19q13.2.
Variant type: single nucleotide variant.
Coding change: c.11243T>C on transcript NM_000540.3 (MANE Select); coding-DNA position 11243, T replaced by C.
Protein change: p.Val3748Ala; replaces valine 3748 with alanine.
Molecular consequence: missense variant.
Genome position (GRCh38, 1-based): chr19:38,532,720, T>C. VCF-style: chr19-38532720-T-C. GRCh37 (hg19) VCF-style: chr19-39023360-T-C.
Other names: c.11228T>C, p.Val3743Ala (NM_001042723.2); short protein forms V3743A, V3748A.
Identifiers: ClinVar variation 2188362 (VCV002188362.4), dbSNP rs2514517269, ClinGen allele CA405653313.

ClinVar aggregate classification (germline): Uncertain significance (1 of 4 stars; one submission).

Conditions:
RYR1-related disorder. Also called: RYR1-related condition; RYR1-related disorders. Identifiers: MedGen CN239331.

Allele frequency attached by ClinVar (database versions not stated): gnomAD exomes below 0.00001.
gnomAD v4.1: 2 of 1,613,688 alleles (0.00012%); highest among the groups gnomAD compares: Non-Finnish European, 0.00017%; no homozygotes.

Submission:

Labcorp Genetics (formerly Invitae), Labcorp
Classification: Uncertain significance for RYR1-related disorder. Last evaluated: 2022-06-28. Review status: criteria provided, single submitter. Criteria: Invitae Variant Classification Sherloc (09022015). Collection method: clinical testing. Allele origin: germline.
Comment: This sequence change replaces valine, which is neutral and non-polar, with alanine, which is neutral and non-polar, at codon 3748 of the RYR1 protein (p.Val3748Ala). This variant is not present in population databases (gnomAD no frequency). This variant has not been reported in the literature in individuals affected with RYR1-related conditions. Advanced modeling of protein sequence and biophysical properties (such as structural, functional, and spatial information, amino acid conservation, physicochemical variation, residue mobility, and thermodynamic stability) performed at Invitae indicates that this missense variant is not expected to disrupt RYR1 protein function. In summary, the available evidence is currently insufficient to determine the role of this variant in disease. Therefore, it has been classified as a Variant of Uncertain Significance.